The following is an entry in ClinVar:

ClinVar aggregate classification (germline): Pathogenic (1 of 4 stars; one submission).

Conditions:
Myopathy, proximal, and ophthalmoplegia (CMYO6). Also called: CONGENITAL MYOPATHY 6 WITH OPHTHALMOPLEGIA; INCLUSION BODY MYOPATHY 3, AUTOSOMAL DOMINANT; MYOPATHY WITH CONGENITAL JOINT CONTRACTURES, OPHTHALMOPLEGIA, AND RIMMED VACUOLES. Identifiers: Orphanet 363677, Orphanet 79091, MedGen C1854106, MONDO:0011577, OMIM 605637.

Submission:

Labcorp Genetics (formerly Invitae), Labcorp
Classification: Pathogenic for Myopathy, proximal, and ophthalmoplegia. Last evaluated: 2023-04-01. Review status: criteria provided, single submitter. Criteria: Invitae Variant Classification Sherloc (09022015). Collection method: clinical testing. Allele origin: germline.
Comment: This sequence change creates a premature translational stop signal (p.Leu1156Profs*11) in the MYH2 gene. It is expected to result in an absent or disrupted protein product. Loss-of-function variants in MYH2 are known to be pathogenic (PMID: 20418530, 23388406, 24193343). For these reasons, this variant has been classified as Pathogenic. This variant has not been reported in the literature in individuals affected with MYH2-related conditions. This variant is not present in population databases (gnomAD no frequency).

Literature cited by the submitters: PubMed 20418530; PubMed 23388406; PubMed 24193343.

NM_017534.6(MYH2):c.3467_3476del (p.Leu1156fs)

Genes: MYH2 (myosin heavy chain 2; minus strand), MYHAS (myosin heavy chain gene cluster antisense RNA; plus strand). Cytogenetic location: 17p13.1.
Variant type: Deletion.
Coding change: c.3467_3476del on transcript NM_017534.6 (MANE Select); coding-DNA positions 3467 to 3476, 10 bases deleted (TGGAAGAAGC; older notation c.3467_3476delTGGAAGAAGC).
Protein change: p.Leu1156fs; shifts the reading frame from leucine 1156.
Molecular consequence: frameshift variant.
Genome position (GRCh38, 1-based): chr17:10,528,958-10,528,967, GCTTCTTCCA deleted on the plus strand (TGGAAGAAGC on the coding strand, the reverse complement: MYH2 is on the minus strand); deleting any 10 consecutive bases within chr17:10,528,958-10,528,969 gives the same sequence; the c. name uses the placement nearest the transcript's 3' end. VCF-style (leftmost placement, unchanged base first): chr17-10528957-GGCTTCTTCCA-G. GRCh37 (hg19) VCF-style: chr17-10432274-GGCTTCTTCCA-G.
Other names: c.3467_3476del, p.Leu1156fs (NM_001100112.2); short protein forms L1156fs.
Identifiers: ClinVar variation 2851422 (VCV002851422.3), dbSNP rs2508428819, ClinGen allele CA2739267134.